The following is an entry in ClinVar:

NM_001278064.2(GRM1):c.416G>A (p.Arg139Gln)

Gene: GRM1 (glutamate metabotropic receptor 1; plus strand). Cytogenetic location: 6q24.3.
Variant type: single nucleotide variant.
Coding change: c.416G>A on transcript NM_001278064.2 (MANE Select); coding-DNA position 416, G replaced by A.
Protein change: p.Arg139Gln; replaces arginine 139 with glutamine.
Molecular consequence: missense variant.
Genome position (GRCh38, 1-based): chr6:146,029,933, G>A. VCF-style: chr6-146029933-G-A. GRCh37 (hg19) VCF-style: chr6-146351069-G-A.
Other names: c.416G>A, p.Arg139Gln (NM_001278065.2, NM_001278066.1, NM_001278067.1); short protein forms R139Q.
Identifiers: ClinVar variation 4682241 (VCV004682241.1).

ClinVar aggregate classification (germline): Uncertain significance (1 of 4 stars; one submission).

gnomAD v4.1: 53 of 1,614,018 alleles (0.0033%); highest among the groups gnomAD compares: Non-Finnish European, 0.0039%; no homozygotes.

Submission:

Athena Diagnostics
Classification: Uncertain significance. Last evaluated: 2024-12-30. Review status: criteria provided, single submitter. Criteria: Athena Diagnostics Criteria. Collection method: clinical testing. Allele origin: unknown.
Comment: Available data are insufficient to determine the clinical significance of the variant at this time. The frequency of this variant in the general population is uninformative in assessment of its pathogenicity. Polyphen and MutationTaster predict this amino acid change may be benign.